The following is an entry in ClinVar:

ClinVar aggregate classification (germline): Conflicting classifications of pathogenicity. Review status: criteria provided, conflicting classifications (1 of 4 stars). 3 submissions from 3 submitters: Uncertain significance (2); Likely benign (1). Last evaluated 2025-08-12.

Conditions:
Hereditary spastic paraplegia 30. Identifiers: Orphanet 101010, MedGen C5235139, MONDO:0012476.
Neuropathy, hereditary sensory, type 2C. Also called: KIF1A-Related HSAN2 (HSAN2C); Hereditary sensory and autonomic neuropathy type IIC. Identifiers: Orphanet 970, MedGen C3280168, MONDO:0013634, OMIM 614213.
Intellectual disability, autosomal dominant 9 (NESCAVS). Also called: KIF1A-Related Neurodevelopmental Disorder; NESCAV SYNDROME. Identifiers: Orphanet 662367, MedGen C5393830, MONDO:0013656, OMIM 614255.

Allele frequency attached by ClinVar (database versions not stated): gnomAD 0.00002; gnomAD exomes 0.00003; 1000 Genomes Project 30x 0.00016; TOPMed 0.00002; ExAC 0.00003.
gnomAD v4.1: 24 of 1,569,896 alleles (0.0015%); highest among the groups gnomAD compares: African/African-American, 0.0054%; no homozygotes.

Submissions (3):

Labcorp Genetics (formerly Invitae), Labcorp
Classification: Likely benign for Hereditary spastic paraplegia 30; Neuropathy, hereditary sensory, type 2C; Intellectual disability, autosomal dominant 9. Last evaluated: 2025-08-12. Review status: criteria provided, single submitter. Criteria: Invitae Variant Classification Sherloc (09022015). Collection method: clinical testing. Allele origin: germline.

GeneDx
Classification: Uncertain significance. Last evaluated: 2025-02-26. Review status: criteria provided, single submitter. Criteria: GeneDx Variant Classification Process June 2021. Collection method: clinical testing. Allele origin: germline.
Comment: In silico analysis supports that this missense variant has a deleterious effect on protein structure/function; Has not been previously published as pathogenic or benign to our knowledge

Genetic Services Laboratory, University of Chicago
Classification: Uncertain significance. Last evaluated: 2016-10-03. Review status: criteria provided, single submitter. Criteria: ACMG Guidelines, 2015. Collection method: clinical testing. Allele origin: germline. Affected: no.

NM_001244008.2(KIF1A):c.3104C>T (p.Ser1035Leu)

Gene: KIF1A (kinesin family member 1A; minus strand). Cytogenetic location: 2q37.3.
Variant type: single nucleotide variant.
Coding change: c.3104C>T on transcript NM_001244008.2 (MANE Select); coding-DNA position 3104, C replaced by T.
Protein change: p.Ser1035Leu; replaces serine 1035 with leucine.
Molecular consequence: missense variant.
Genome position (GRCh38, 1-based): chr2:240,746,137, G>A on the plus strand (C>T on the coding strand, the complement: KIF1A is on the minus strand). VCF-style: chr2-240746137-G-A. GRCh37 (hg19) VCF-style: chr2-241685554-G-A.
Other names: c.2828C>T, p.Ser943Leu (NM_001320705.2, NM_001330289.2, NM_001379638.1); c.2903C>T, p.Ser968Leu (NM_001330290.2, NM_001379634.1, NM_001379635.1 and 1 more transcripts); c.3179C>T, p.Ser1060Leu (NM_001379631.1); c.3053C>T, p.Ser1018Leu (NM_001379632.1); c.3077C>T, p.Ser1026Leu (NM_001379633.1, NM_001379642.1, NM_001379645.1); c.2801C>T, p.Ser934Leu (NM_001379636.1, NM_001379639.1, NM_001379640.1 and 6 more transcripts); c.2876C>T, p.Ser959Leu (NM_001379637.1, NM_001379648.1); short protein forms S1035L, S934L, S943L, S968L, S1018L, S1026L, S1060L, S959L.
Identifiers: ClinVar variation 435628 (VCV000435628.19), dbSNP rs764873243, ClinGen allele CA2207901.
Genomic context (GRCh38, chr2:240,746,137, plus strand): 5'-CCCACGTCTGCACCCTGGCCCTGGCCCTCCACGATGCGAAGCTCTTCCTGGGAGGTTCCC[G>A]AGCGGGACATCCCCACCACGGGGCAAGACTCGGACTGGAACTGATCAGAGGGGGACCAGA-3'
Protein context (NP_001230937.1, residues 1025-1045): ESCPVVGMSR[Ser1035Leu]GTSQEELRIV